The following is an entry in ClinVar:

ClinVar aggregate classification (germline): Likely pathogenic (1 of 4 stars; one submission).

Conditions:
Neurofibromatosis, type 1 (NF1). Also called: VON RECKLINGHAUSEN DISEASE; NEUROFIBROMATOSIS, TYPE I, SOMATIC; Peripheral type neurofibromatosis; Neurofibromatosis, type I. Identifiers: Orphanet 636, MedGen C0027831, MONDO:0018975, OMIM 162200. Disease mechanism: loss of function.

Submission:

Labcorp Genetics (formerly Invitae), Labcorp
Classification: Likely pathogenic for Neurofibromatosis, type 1. Last evaluated: 2017-03-20. Review status: criteria provided, single submitter. Criteria: Invitae Variant Classification Sherloc (09022015). Collection method: clinical testing. Allele origin: germline.
Comment: In summary, donor and acceptor splice site variants are typically loss-of-function (PMID: 16199547), and loss-of-function variants in NF1 are known to be pathogenic (PMID: 10712197, 23913538). However, without additional functional and/or genetic data, this variant has been classified as Likely Pathogenic. This variant has not been reported in the literature in individuals with an NF1-related disease. This variant, c.7395-7_7396delinsT, is a complex sequence change that affects the acceptor splice site in intron 49 of the NF1 gene. It is expected to disrupt RNA splicing and likely results in an absent or disrupted protein product.

Literature cited by the submitters: PubMed 16199547; PubMed 10712197; PubMed 23913538.

NM_001042492.3(NF1):c.7458-7_7459delinsT

Gene: NF1 (neurofibromin 1; plus strand). Cytogenetic location: 17q11.2.
Variant type: Indel.
Coding change: c.7458-7_7459delinsT on transcript NM_001042492.3 (MANE Select); 7 bases into the intron before coding-DNA position 7458 through coding-DNA position 7459, CTTTCAGGA replaced by T.
Molecular consequence: splice acceptor variant.
Genome position (GRCh38, 1-based): chr17:31,352,250-31,352,258, CTTTCAGGA replaced by T. VCF-style: chr17-31352250-CTTTCAGGA-T. GRCh37 (hg19) VCF-style: chr17-29679268-CTTTCAGGA-T.
Other names: c.7395-7_7396delinsT (NM_000267.4).
Identifiers: ClinVar variation 457847 (VCV000457847.5), dbSNP rs1555536334, ClinGen allele CA658658603.